The following is an entry in ClinVar:

NC_000006.11:g.(?_64511633)_(64516181_?)del

Gene: EYS (eyes shut homolog; minus strand). Cytogenetic location: 6q12.
Variant type: Deletion.
Identifiers: ClinVar variation 3246147 (VCV003246147.1).

ClinVar aggregate classification (germline): Likely pathogenic (1 of 4 stars; one submission).

Submission:

Labcorp Genetics (formerly Invitae), Labcorp
Classification: Likely pathogenic. Last evaluated: 2023-03-08. Review status: criteria provided, single submitter. Criteria: Invitae Variant Classification Sherloc (09022015). Collection method: clinical testing. Allele origin: unknown.
Comment: In summary, the currently available evidence indicates that the variant is pathogenic, but additional data are needed to prove that conclusively. Therefore, this variant has been classified as Likely Pathogenic. This variant has not been reported in the literature in individuals affected with EYS-related conditions. This variant results in the deletion of part of exon 37 (c.7313_7411+4450del) of the EYS gene. It is expected to disrupt RNA splicing. Variants that disrupt the donor or acceptor splice site typically lead to a loss of protein function (PMID: 16199547), and loss-of-function variants in EYS are known to be pathogenic (PMID: 18836446, 20333770).

Literature cited by the submitters: PubMed 16199547; PubMed 18836446; PubMed 20333770.